The following is an entry in ClinVar:

NM_006516.4(SLC2A1):c.1023C>T (p.Leu341=)

Gene: SLC2A1 (solute carrier family 2 member 1; minus strand). Cytogenetic location: 1p34.2.
Variant type: single nucleotide variant.
Coding change: c.1023C>T on transcript NM_006516.4 (MANE Select); coding-DNA position 1023, C replaced by T.
Protein change: p.Leu341=; no amino-acid change (leucine 341 retained).
Molecular consequence: synonymous variant.
Genome position (GRCh38, 1-based): chr1:42,928,983, G>A on the plus strand (C>T on the coding strand, the complement: SLC2A1 is on the minus strand). VCF-style: chr1-42928983-G-A. GRCh37 (hg19) VCF-style: chr1-43394654-G-A.
Other names: p.L341L:CTC>CTT.
Identifiers: ClinVar variation 139165 (VCV000139165.19), dbSNP rs143588685, ClinGen allele CA018997.

ClinVar aggregate classification (germline): Benign/Likely benign. Review status: criteria provided, multiple submitters, no conflicts (2 of 4 stars). 10 submissions from 6 submitters: Benign (2); Likely benign (8). Last evaluated 2025-11-23.

Conditions:
Inborn genetic diseases. Identifiers: MedGen C0950123, MeSH D030342.
Hereditary cryohydrocytosis with reduced stomatin. Also called: Stomatin-deficient cryohydrocytosis with neurologic defects; GLUT1 DEFICIENCY SYNDROME WITH PSEUDOHYPERKALEMIA AND HEMOLYSIS. Identifiers: Orphanet 168577, MedGen C1837206, MONDO:0012143, OMIM 608885.
Dystonia 9 (DYT9). Also called: CHOREOATHETOSIS, KINESIGENIC, WITH EPISODIC ATAXIA AND SPASTICITY. Identifiers: Orphanet 53583, MedGen C1832855, MONDO:0010983, OMIM 601042.
Epilepsy, idiopathic generalized, susceptibility to, 12 (EIG12). Identifiers: MedGen C3553859, MONDO:0013919, OMIM 614847.
GLUT1 deficiency syndrome 1, autosomal recessive. Identifiers: MedGen C3149117.
Childhood onset GLUT1 deficiency syndrome 2. Also called: Paroxysmal exercise-induced dystonia; PAROXYSMAL EXERCISE-INDUCED DYSKINESIA WITH OR WITHOUT EPILEPSY AND/OR HEMOLYTIC ANEMIA; PAROXYSMAL EXERTION-INDUCED DYSTONIA WITH OR WITHOUT EPILEPSY AND/OR HEMOLYTIC ANEMIA; PED WITH OR WITHOUT EPILEPSY AND/OR HEMOLYTIC ANEMIA; GLUT1 deficiency syndrome 2; PxMD-SLC2A1. Identifiers: Orphanet 98811, MedGen C1842534, MONDO:0012805, OMIM 612126.
Encephalopathy due to GLUT1 deficiency. Also called: De Vivo disease; Glucose transporter protein syndrome; GLUT1 deficiency syndrome 1; GLUT1 deficiency syndrome 1, infantile onset, severe; Classic Glucose Transporter Type 1 Deficiency Syndrome; GLUCOSE TRANSPORT DEFECT, BLOOD-BRAIN BARRIER. Identifiers: Orphanet 71277, MedGen C4551966, MONDO:0011724, OMIM 606777.

Allele frequency attached by ClinVar (database versions not stated): TOPMed 0.00046; ESP Exome Variant Server 0.00031.
gnomAD v4.1: 119 of 1,613,904 alleles (0.0074%); highest among the groups gnomAD compares: African/African-American, 0.13%; 1 homozygote.

Submissions (10):

Labcorp Genetics (formerly Invitae), Labcorp
Classification: Likely benign for GLUT1 deficiency syndrome 1, autosomal recessive. Last evaluated: 2025-11-23. Review status: criteria provided, single submitter. Criteria: Invitae Variant Classification Sherloc (09022015). Collection method: clinical testing. Allele origin: germline.

Blueprint Genetics
Classification: Likely benign. Last evaluated: 2024-03-02. Review status: criteria provided, single submitter. Criteria: ACMG Guidelines, 2015. Collection method: clinical testing. Allele origin: germline.

Genome-Nilou Lab
Classification: Likely benign for Epilepsy, idiopathic generalized, susceptibility to, 12. Last evaluated: 2023-04-11. Review status: criteria provided, single submitter. Criteria: ACMG Guidelines, 2015. Collection method: clinical testing. Allele origin: germline. Affected: no.

Genome-Nilou Lab
Classification: Likely benign for Dystonia 9. Last evaluated: 2023-04-11. Review status: criteria provided, single submitter. Criteria: ACMG Guidelines, 2015. Collection method: clinical testing. Allele origin: germline. Affected: no.

Genome-Nilou Lab
Classification: Likely benign for Encephalopathy due to GLUT1 deficiency. Last evaluated: 2023-04-11. Review status: criteria provided, single submitter. Criteria: ACMG Guidelines, 2015. Collection method: clinical testing. Allele origin: germline. Affected: no.

Genome-Nilou Lab
Classification: Likely benign for Childhood onset GLUT1 deficiency syndrome 2. Last evaluated: 2023-04-11. Review status: criteria provided, single submitter. Criteria: ACMG Guidelines, 2015. Collection method: clinical testing. Allele origin: germline. Affected: no.

Genome-Nilou Lab
Classification: Likely benign for Hereditary cryohydrocytosis with reduced stomatin. Last evaluated: 2023-04-11. Review status: criteria provided, single submitter. Criteria: ACMG Guidelines, 2015. Collection method: clinical testing. Allele origin: germline. Affected: no.

Ambry Genetics
Classification: Likely benign for Inborn genetic diseases. Last evaluated: 2017-05-30. Review status: criteria provided, single submitter. Criteria: Ambry Variant Classification Scheme 2023. Collection method: clinical testing. Allele origin: germline.

Athena Diagnostics
Classification: Benign. Last evaluated: 2017-02-16. Review status: criteria provided, single submitter. Criteria: Athena Diagnostics Criteria. Collection method: clinical testing. Allele origin: germline.

GeneDx
Classification: Benign. Last evaluated: 2014-01-27. Review status: criteria provided, single submitter. Criteria: GeneDx Variant Classification (06012015). Collection method: clinical testing. Allele origin: germline. Affected: yes.
Comment: This variant is considered likely benign or benign based on one or more of the following criteria: it is a conservative change, it occurs at a poorly conserved position in the protein, it is predicted to be benign by multiple in silico algorithms, and/or has population frequency not consistent with disease.